The following is an entry in ClinVar:

NC_000017.10:g.(?_80847524)_(80901020_?)del

Gene: TBCD (tubulin folding cofactor D). Cytogenetic location: 17q25.3.
Variant type: Deletion.
Identifiers: ClinVar variation 2425453 (VCV002425453.4).

ClinVar aggregate classification (germline): Pathogenic (1 of 4 stars; one submission).

Submission:

Labcorp Genetics (formerly Invitae), Labcorp
Classification: Pathogenic. Last evaluated: 2022-10-13. Review status: criteria provided, single submitter. Criteria: Invitae Variant Classification Sherloc (09022015). Collection method: clinical testing. Allele origin: germline.
Comment: For these reasons, this variant has been classified as Pathogenic. This variant disrupts a region of the TBCD protein in which other variant(s) (p.Pro1122Leu) have been determined to be pathogenic (PMID: 27666370, 27666374, 31395954). This suggests that this is a clinically significant region of the protein, and that variants that disrupt it are likely to be disease-causing. This variant has not been reported in the literature in individuals affected with TBCD-related conditions. This variant is a gross deletion of the genomic region encompassing exon(s) 16-39 of the TBCD gene, which includes the termination codon. This deletion extends beyond the assayed region for this gene and therefore may encompass additional genes. While this deletion is not anticipated to lead to nonsense mediated decay, it is expected to alter mRNA translation or result in a truncated protein product.

Literature cited by the submitters: PubMed 27666370; PubMed 27666374; PubMed 31395954.